The following is an entry in ClinVar:

NM_000075.4(CDK4):c.402T>C (p.Asn134=)

Gene: CDK4 (cyclin dependent kinase 4; minus strand). Cytogenetic location: 12q14.1.
Variant type: single nucleotide variant.
Coding change: c.402T>C on transcript NM_000075.4 (MANE Select); coding-DNA position 402, T replaced by C.
Protein change: p.Asn134=; no amino-acid change (asparagine 134 retained).
Molecular consequence: synonymous variant.
Genome position (GRCh38, 1-based): chr12:57,751,043, A>G on the plus strand (T>C on the coding strand, the complement: CDK4 is on the minus strand). VCF-style: chr12-57751043-A-G. GRCh37 (hg19) VCF-style: chr12-58144826-A-G.
Identifiers: ClinVar variation 750511 (VCV000750511.16), dbSNP rs537039467, ClinGen allele CA6657811.
Genomic context (GRCh38, chr12:57,751,043, plus strand): 5'-GACTGTTCCACCACTTGTCACCAGAATGTTCTCTGGCTTCAGATCTCGGTGAACGATGCA[A>G]TTGGCATGAAGGAAATCTAGGCCTCTTAGAAACTGGCGCATCAGATCCTAGTTTCAAAGG-3'
Protein context (NP_000066.1, residues 124-144): FLRGLDFLHA[Asn134=]CIVHRDLKPE

ClinVar aggregate classification (germline): Benign/Likely benign. Review status: criteria provided, multiple submitters, no conflicts (2 of 4 stars). 3 submissions from 3 submitters: Benign (1); Likely benign (2). Last evaluated 2024-09-25.

Conditions:
Melanoma, cutaneous malignant, susceptibility to, 3. Also called: Cutaneous malignant melanoma 3. Identifiers: Orphanet 618, MedGen C1836892, MONDO:0012183, OMIM 609048.
Familial melanoma. Also called: Hereditary melanoma; Hereditary cutaneous melanoma. Identifiers: Orphanet 618, MedGen C1512419, MONDO:0018961.
Hereditary cancer-predisposing syndrome. Also called: Tumor predisposition; Hereditary neoplastic syndrome; Neoplastic Syndromes, Hereditary; Hereditary Cancer Syndrome. Identifiers: Orphanet 140162, MedGen C0027672, MeSH D009386, MONDO:0015356.

Allele frequency attached by ClinVar (database versions not stated): gnomAD 0.00001; gnomAD exomes 0.00001; ExAC 0.00002; TOPMed 0.00002; 1000 Genomes Project 30x 0.00016; 1000 Genomes Project 0.00020.
gnomAD v4.1: 5 of 1,614,050 alleles (0.00031%); highest among the groups gnomAD compares: African/African-American, 0.0027%; no homozygotes.

Submissions (3):

Myriad Genetics, Inc.
Classification: Benign for Melanoma, cutaneous malignant, susceptibility to, 3. Last evaluated: 2024-09-25. Review status: criteria provided, single submitter. Criteria: Myriad Autosomal Dominant, Autosomal Recessive and X-Linked Classification Criteria (2023). Collection method: clinical testing. Allele origin: unknown.
Comment: This variant is considered benign. This variant is a silent/synonymous amino acid change and it is not expected to impact splicing.

Labcorp Genetics (formerly Invitae), Labcorp
Classification: Likely benign for Familial melanoma. Last evaluated: 2024-09-06. Review status: criteria provided, single submitter. Criteria: Invitae Variant Classification Sherloc (09022015). Collection method: clinical testing. Allele origin: germline.

Ambry Genetics
Classification: Likely benign for Hereditary cancer-predisposing syndrome. Last evaluated: 2017-12-28. Review status: criteria provided, single submitter. Criteria: Ambry Variant Classification Scheme 2023. Collection method: clinical testing. Allele origin: germline.